The following is an entry in ClinVar:

NM_000435.3(NOTCH3):c.2163G>A (p.Glu721=)

Gene: NOTCH3 (notch receptor 3; minus strand). Cytogenetic location: 19p13.12.
Variant type: single nucleotide variant.
Coding change: c.2163G>A on transcript NM_000435.3 (MANE Select); coding-DNA position 2163, G replaced by A.
Protein change: p.Glu721=; no amino-acid change (glutamic acid 721 retained).
Molecular consequence: synonymous variant.
Genome position (GRCh38, 1-based): chr19:15,185,390, C>T on the plus strand (G>A on the coding strand, the complement: NOTCH3 is on the minus strand). VCF-style: chr19-15185390-C-T. GRCh37 (hg19) VCF-style: chr19-15296201-C-T.
Identifiers: ClinVar variation 804629 (VCV000804629.7), dbSNP rs375173938, ClinGen allele CA9263424.

ClinVar aggregate classification (germline): Benign/Likely benign. Review status: criteria provided, multiple submitters, no conflicts (2 of 4 stars). 4 submissions from 4 submitters: Benign (3); Likely benign (1). Last evaluated 2025-08-17.

Conditions:
Cerebral arteriopathy, autosomal dominant, with subcortical infarcts and leukoencephalopathy, type 1 (CADASIL1). Also called: CADASIL 1; DEMENTIA, HEREDITARY MULTIINFARCT TYPE; CASIL; Cerebral arteriopathy with subcortical infarcts and leukoencephalopathy 1. Identifiers: Orphanet 136, MedGen C4551768, MONDO:0000914, OMIM 125310.

Allele frequency attached by ClinVar (database versions not stated): gnomAD below 0.00001 and 0.00009; TOPMed 0.00004; gnomAD exomes 0.00019 and 0.00037; ExAC 0.00039; 1000 Genomes Project 0.00040; 1000 Genomes Project 30x 0.00047.
gnomAD v4.1: 301 of 1,612,230 alleles (0.019%); highest among the groups gnomAD compares: South Asian, 0.3%; 5 homozygotes.

Submissions (4):

Labcorp Genetics (formerly Invitae), Labcorp
Classification: Benign. Last evaluated: 2025-08-17. Review status: criteria provided, single submitter. Criteria: Invitae Variant Classification Sherloc (09022015). Collection method: clinical testing. Allele origin: germline.

Blueprint Genetics
Classification: Likely benign. Last evaluated: 2024-07-08. Review status: criteria provided, single submitter. Criteria: ACMG Guidelines, 2015. Collection method: clinical testing. Allele origin: germline.

Athena Diagnostics
Classification: Benign. Last evaluated: 2018-10-26. Review status: criteria provided, single submitter. Criteria: Athena Diagnostics Criteria. Collection method: clinical testing. Allele origin: germline.

Illumina Laboratory Services, Illumina
Classification: Benign for Cerebral arteriopathy, autosomal dominant, with subcortical infarcts and leukoencephalopathy, type 1. Last evaluated: 2018-01-12. Review status: criteria provided, single submitter. Criteria: ICSL Variant Classification Criteria 13 December 2019. Collection method: clinical testing. Allele origin: germline.
Comment: This variant was observed in the ICSL laboratory as part of a predisposition screen in an ostensibly healthy population. It had not been previously curated by ICSL or reported in the Human Gene Mutation Database (HGMD: prior to June 1st, 2018), and was therefore a candidate for classification through an automated scoring system. Utilizing variant allele frequency, disease prevalence and penetrance estimates, and inheritance mode, an automated score was calculated to assess if this variant is too frequent to cause the disease. Based on the score and internal cut-off values, a variant classified as benign is not then subjected to further curation. The score for this variant resulted in a classification of benign for this disease.